The following is an entry in ClinVar:

NM_183050.4(BCKDHB):c.1039-274G>A

Gene: BCKDHB (branched chain keto acid dehydrogenase E1 subunit beta; plus strand). Cytogenetic location: 6q14.1.
Variant type: single nucleotide variant.
Coding change: c.1039-274G>A on transcript NM_183050.4 (MANE Select); 274 bases into the intron before coding-DNA position 1039, G replaced by A.
Molecular consequence: intron variant.
Genome position (GRCh38, 1-based): chr6:80,343,390, G>A. VCF-style: chr6-80343390-G-A. GRCh37 (hg19) VCF-style: chr6-81053107-G-A.
Other names: c.829-274G>A (NM_001318975.1); c.1039-274G>A (NM_000056.5).
Identifiers: ClinVar variation 683392 (VCV000683392.1), dbSNP rs2322762, ClinGen allele CA12429582.

ClinVar aggregate classification (germline): Benign (1 of 4 stars; one submission).

Allele frequency attached by ClinVar (database versions not stated): 1000 Genomes Project 0.71406; 1000 Genomes Project 30x 0.71705; gnomAD 0.77634 and 0.78177; TOPMed 0.77887.
gnomAD v4.1: 118,155 of 152,082 alleles (78%); highest among the groups gnomAD compares: Admixed American, 84%; 46,258 homozygotes.

Submission:

GeneDx
Classification: Benign. Last evaluated: 2018-06-14. Review status: criteria provided, single submitter. Criteria: GeneDx Variant Classification (06012015). Collection method: clinical testing. Allele origin: germline. Affected: yes.
Comment: This variant is considered likely benign or benign based on one or more of the following criteria: it is a conservative change, it occurs at a poorly conserved position in the protein, it is predicted to be benign by multiple in silico algorithms, and/or has population frequency not consistent with disease.